The following is an entry in ClinVar:

NM_001371623.1(TCOF1):c.2416A>C (p.Ile806Leu)

Gene: TCOF1 (treacle ribosome biogenesis factor 1; plus strand). Cytogenetic location: 5q32.
Variant type: single nucleotide variant.
Coding change: c.2416A>C on transcript NM_001371623.1 (MANE Select); coding-DNA position 2416, A replaced by C.
Protein change: p.Ile806Leu; replaces isoleucine 806 with leucine.
Molecular consequence: missense variant.
Genome position (GRCh38, 1-based): chr5:150,378,980, A>C. VCF-style: chr5-150378980-A-C. GRCh37 (hg19) VCF-style: chr5-149758543-A-C.
Other names: c.2185A>C, p.Ile729Leu (NM_000356.4, NM_001135245.2); c.2416A>C, p.Ile806Leu (NM_001008657.3, NM_001135243.2, NM_001135244.2 and 1 more transcripts); short protein forms I729L, I806L.
Identifiers: ClinVar variation 2807628 (VCV002807628.3), dbSNP rs747928276, ClinGen allele CA3511162.

ClinVar aggregate classification (germline): Uncertain significance (1 of 4 stars; one submission).

Conditions:
Treacher Collins syndrome 1 (TCS1). Also called: TCOF1-Related Treacher Collins Syndrome. Identifiers: Orphanet 861, MedGen CN315775, MONDO:0007944, OMIM 154500.

Allele frequency attached by ClinVar (database versions not stated): gnomAD 0.00001; ExAC 0.00002.
gnomAD v4.1: 6 of 1,613,998 alleles (0.00037%); highest among the groups gnomAD compares: East Asian, 0.013%; no homozygotes.

Submission:

Labcorp Genetics (formerly Invitae), Labcorp
Classification: Uncertain significance for Treacher Collins syndrome 1. Last evaluated: 2024-07-05. Review status: criteria provided, single submitter. Criteria: Invitae Variant Classification Sherloc (09022015). Collection method: clinical testing. Allele origin: germline.
Comment: This sequence change replaces isoleucine, which is neutral and non-polar, with leucine, which is neutral and non-polar, at codon 806 of the TCOF1 protein (p.Ile806Leu). This variant is present in population databases (rs747928276, gnomAD 0.03%). This variant has not been reported in the literature in individuals affected with TCOF1-related conditions. Advanced modeling of protein sequence and biophysical properties (such as structural, functional, and spatial information, amino acid conservation, physicochemical variation, residue mobility, and thermodynamic stability) performed at Invitae indicates that this missense variant is not expected to disrupt TCOF1 protein function with a negative predictive value of 80%. In summary, the available evidence is currently insufficient to determine the role of this variant in disease. Therefore, it has been classified as a Variant of Uncertain Significance.